The following is an entry in ClinVar:

NM_005633.4(SOS1):c.3491C>A (p.Ala1164Glu)

Gene: SOS1 (SOS Ras/Rac guanine nucleotide exchange factor 1; minus strand). Cytogenetic location: 2p22.1.
Variant type: single nucleotide variant.
Coding change: c.3491C>A on transcript NM_005633.4 (MANE Select); coding-DNA position 3491, C replaced by A.
Protein change: p.Ala1164Glu; replaces alanine 1164 with glutamic acid.
Molecular consequence: missense variant.
Genome position (GRCh38, 1-based): chr2:38,987,492, G>T on the plus strand (C>A on the coding strand, the complement: SOS1 is on the minus strand). VCF-style: chr2-38987492-G-T. GRCh37 (hg19) VCF-style: chr2-39214633-G-T.
Other names: c.3470C>A, p.Ala1157Glu (NM_001382394.1); c.3446C>A, p.Ala1149Glu (NM_001382395.1); short protein forms A1149E, A1157E, A1164E.
Identifiers: ClinVar variation 3368570 (VCV003368570.2).

ClinVar aggregate classification (germline): Uncertain significance. Review status: criteria provided, multiple submitters, no conflicts (2 of 4 stars). 2 submissions from 2 submitters: Uncertain significance (2). Last evaluated 2025-04-30.

Conditions:
Cardiovascular phenotype. Identifiers: MedGen CN230736.

Submissions (2):

Ambry Genetics
Classification: Uncertain significance for Cardiovascular phenotype. Last evaluated: 2025-04-30. Review status: criteria provided, single submitter. Criteria: Ambry Variant Classification Scheme 2023. Collection method: clinical testing. Allele origin: germline.
Comment: The p.A1164E variant (also known as c.3491C>A), located in coding exon 22 of the SOS1 gene, results from a C to A substitution at nucleotide position 3491. The alanine at codon 1164 is replaced by glutamic acid, an amino acid with dissimilar properties. This amino acid position is conserved. In addition, the in silico prediction for this alteration is inconclusive. Based on the available evidence, the clinical significance of this variant remains unclear.

GeneDx
Classification: Uncertain significance. Last evaluated: 2024-01-30. Review status: criteria provided, single submitter. Criteria: GeneDx Variant Classification Process June 2021. Collection method: clinical testing. Allele origin: germline. Affected: yes.
Comment: Has not been previously published as pathogenic or benign to our knowledge; Not observed at significant frequency in large population cohorts (gnomAD); In silico analysis supports that this missense variant does not alter protein structure/function; Missense variants in this gene are a common cause of disease and they are underrepresented in the general population